The following is an entry in ClinVar:

ClinVar aggregate classification (germline): Likely pathogenic (1 of 4 stars; one submission).

Conditions:
Gastrointestinal stromal tumor. Also called: Gastrointestinal stromal tumor, somatic; Gastrointestinal stroma tumor. Identifiers: Orphanet 44890, MedGen C0238198, MeSH D046152, MONDO:0011719, OMIM 606764, HP:0100723.

Submission:

Labcorp Genetics (formerly Invitae), Labcorp
Classification: Likely pathogenic for Gastrointestinal stromal tumor. Last evaluated: 2025-09-24. Review status: criteria provided, single submitter. Criteria: Invitae Variant Classification Sherloc (09022015). Collection method: clinical testing. Allele origin: germline.
Comment: This sequence change affects an acceptor splice site in intron 9 of the KIT gene. It is expected to disrupt RNA splicing. Variants that disrupt the donor or acceptor splice site typically lead to a loss of protein function (PMID: 16199547), and loss-of-function variants in KIT are known to be pathogenic (PMID: 15194144). This variant is not present in population databases (gnomAD no frequency). This variant has not been reported in the literature in individuals affected with KIT-related conditions. ClinVar contains an entry for this variant (Variation ID: 1516247). Algorithms developed to predict the effect of sequence changes on RNA splicing suggest that this variant may disrupt the consensus splice site. In summary, the currently available evidence indicates that the variant is pathogenic, but additional data are needed to prove that conclusively. Therefore, this variant has been classified as Likely Pathogenic.

Literature cited by the submitters: PubMed 16199547; PubMed 15194144.

NM_000222.3(KIT):c.1541-1G>A

Gene: KIT (KIT proto-oncogene, receptor tyrosine kinase; plus strand). Cytogenetic location: 4q12.
Variant type: single nucleotide variant.
Coding change: c.1541-1G>A on transcript NM_000222.3 (MANE Select); the canonical splice acceptor site of the intron before coding-DNA position 1541, G replaced by A.
Molecular consequence: splice acceptor variant.
Genome position (GRCh38, 1-based): chr4:54,727,217, G>A. VCF-style: chr4-54727217-G-A. GRCh37 (hg19) VCF-style: chr4-55593383-G-A.
Other names: c.1544-1G>A (NM_001385284.1, NM_001385290.1); c.1532-1G>A (NM_001385288.1, NM_001385292.1); c.1541-1G>A (NM_001385285.1); c.1529-1G>A (NM_001093772.2, NM_001385286.1).
Identifiers: ClinVar variation 1516247 (VCV001516247.6), dbSNP rs2109773622, ClinGen allele CA356906836.